The following is an entry in ClinVar:

NM_006949.4(STXBP2):c.579G>T (p.Lys193Asn)

Gene: STXBP2 (syntaxin binding protein 2; plus strand). Cytogenetic location: 19p13.2.
Variant type: single nucleotide variant.
Coding change: c.579G>T on transcript NM_006949.4 (MANE Select); coding-DNA position 579, G replaced by T.
Protein change: p.Lys193Asn; replaces lysine 193 with asparagine.
Molecular consequence: missense variant. On other transcripts: non-coding transcript variant (1).
Genome position (GRCh38, 1-based): chr19:7,642,034, G>T. VCF-style: chr19-7642034-G-T. GRCh37 (hg19) VCF-style: chr19-7706920-G-T.
Other names: c.570G>T, p.Lys190Asn (NM_001127396.3); c.612G>T, p.Lys204Asn (NM_001272034.2); short protein forms K204N, K193N, K190N.
Identifiers: ClinVar variation 639204 (VCV000639204.6), dbSNP rs370172171, ClinGen allele CA9143719.

ClinVar aggregate classification (germline): Uncertain significance (1 of 4 stars; one submission).

Conditions:
Familial hemophagocytic lymphohistiocytosis 5. Also called: STXBP2-Related Familial Hemophagocytic Lymphohistiocytosis (STXBP2-fHLH). Identifiers: Orphanet 540, MedGen C2751293, MONDO:0013135, OMIM 613101.

Allele frequency attached by ClinVar (database versions not stated): gnomAD exomes below 0.00001; ExAC 0.00001; TOPMed 0.00001; ESP Exome Variant Server 0.00015.
gnomAD v4.1: 15 of 1,613,982 alleles (0.00093%); highest among the groups gnomAD compares: Non-Finnish European, 0.0013%; no homozygotes.

Submission:

Labcorp Genetics (formerly Invitae), Labcorp
Classification: Uncertain significance for Familial hemophagocytic lymphohistiocytosis 5. Last evaluated: 2025-05-12. Review status: criteria provided, single submitter. Criteria: Invitae Variant Classification Sherloc (09022015). Collection method: clinical testing. Allele origin: germline.
Comment: This sequence change replaces lysine, which is basic and polar, with asparagine, which is neutral and polar, at codon 193 of the STXBP2 protein (p.Lys193Asn). This variant is present in population databases (rs370172171, gnomAD 0.002%). This variant has not been reported in the literature in individuals affected with STXBP2-related conditions. ClinVar contains an entry for this variant (Variation ID: 639204). Invitae Evidence Modeling of protein sequence and biophysical properties (such as structural, functional, and spatial information, amino acid conservation, physicochemical variation, residue mobility, and thermodynamic stability) indicates that this missense variant is not expected to disrupt STXBP2 protein function with a negative predictive value of 95%. In summary, the available evidence is currently insufficient to determine the role of this variant in disease. Therefore, it has been classified as a Variant of Uncertain Significance.